The following is an entry in ClinVar:

ClinVar aggregate classification (germline): Likely benign. Review status: criteria provided, multiple submitters, no conflicts (2 of 4 stars). 4 submissions from 4 submitters: Likely benign (4). Last evaluated 2025-08-23.

Conditions:
Neuronal ceroid lipofuscinosis. Also called: Neuronal Ceroid Lipofuscinoses. Identifiers: Orphanet 216, Orphanet 79263, MedGen C0027877, MONDO:0016295. Disease mechanism: loss of function.
Neuronal ceroid lipofuscinosis 3 (CLN3). Identifiers: Orphanet 228346, MedGen C0751383, MONDO:0008767, OMIM 204200.

Allele frequency attached by ClinVar (database versions not stated): gnomAD 0.00001; TOPMed 0.00002; gnomAD exomes 0.00003; ExAC 0.00004.
gnomAD v4.1: 15 of 1,613,376 alleles (0.00093%); highest among the groups gnomAD compares: East Asian, 0.0045%; no homozygotes.

Submissions (4):

Labcorp Genetics (formerly Invitae), Labcorp
Classification: Likely benign for Neuronal ceroid lipofuscinosis. Last evaluated: 2025-08-23. Review status: criteria provided, single submitter. Criteria: Invitae Variant Classification Sherloc (09022015). Collection method: clinical testing. Allele origin: germline.

CeGaT Center for Human Genetics Tuebingen
Classification: Likely benign. Last evaluated: 2025-03-01. Review status: criteria provided, single submitter. Criteria: CeGaT Center For Human Genetics Tuebingen Variant Classification Criteria Version 2. Collection method: clinical testing. Allele origin: germline. Affected: yes. Observed: 1 variant allele.
Comment: CLN3: BP4, BP7

Genome-Nilou Lab
Classification: Likely benign for Neuronal ceroid lipofuscinosis 3. Last evaluated: 2021-08-10. Review status: criteria provided, single submitter. Criteria: ACMG Guidelines, 2015. Collection method: clinical testing. Allele origin: germline. Affected: no.

GeneDx
Classification: Likely benign. Last evaluated: 2017-05-18. Review status: criteria provided, single submitter. Criteria: GeneDx Variant Classification (06012015). Collection method: clinical testing. Allele origin: germline. Affected: yes.
Comment: This variant is considered likely benign or benign based on one or more of the following criteria: it is a conservative change, it occurs at a poorly conserved position in the protein, it is predicted to be benign by multiple in silico algorithms, and/or has population frequency not consistent with disease.

NM_001042432.2(CLN3):c.309G>A (p.Ala103=)

Gene: CLN3 (CLN3 lysosomal/endosomal transmembrane protein, battenin; minus strand). Cytogenetic location: 16p12.1.
Variant type: single nucleotide variant.
Coding change: c.309G>A on transcript NM_001042432.2 (MANE Select); coding-DNA position 309, G replaced by A.
Protein change: p.Ala103=; no amino-acid change (alanine 103 retained).
Molecular consequence: synonymous variant. On other transcripts: intron variant (1).
Genome position (GRCh38, 1-based): chr16:28,487,727, C>T on the plus strand (G>A on the coding strand, the complement: CLN3 is on the minus strand). VCF-style: chr16-28487727-C-T. GRCh37 (hg19) VCF-style: chr16-28499048-C-T.
Other names: c.309G>A, p.Ala103= (NM_000086.2); c.237G>A, p.Ala79= (NM_001286104.2); c.75G>A, p.Ala25= (NM_001286109.2); c.147G>A, p.Ala49= (NM_001286110.2); c.75-186G>A (NM_001286105.2).
Identifiers: ClinVar variation 509647 (VCV000509647.15), dbSNP rs774996613, ClinGen allele CA7980974.